The following is an entry in ClinVar:

NM_001382567.1(STIM1):c.64A>G (p.Ser22Gly)

Gene: STIM1 (stromal interaction molecule 1; plus strand). Cytogenetic location: 11p15.4.
Variant type: single nucleotide variant.
Coding change: c.64A>G on transcript NM_001382567.1 (MANE Select); coding-DNA position 64, A replaced by G.
Protein change: p.Ser22Gly; replaces serine 22 with glycine.
Molecular consequence: missense variant. On other transcripts: intron variant (10), synonymous variant (1), 5 prime UTR variant (1), non-coding transcript variant (3).
Genome position (GRCh38, 1-based): chr11:3,856,334, A>G. VCF-style: chr11-3856334-A-G. GRCh37 (hg19) VCF-style: chr11-3877564-A-G.
Other names: c.-84+1680A>G (NM_001382576.1); c.-84+1598A>G (NM_001382574.1, NM_001382578.1, NM_001382575.1); c.-84+918A>G (NM_001382566.1, NM_001382579.1, NM_001382577.1 and 1 more transcripts); c.60A>G, p.Arg20= (NM_001382569.1); c.64A>G, p.Ser22Gly (NM_001382570.1, NM_001382572.1, NM_003156.4 and 3 more transcripts); c.-174A>G (NM_001382571.1); c.-220+1598A>G (NM_001382580.1, NM_001382581.1); short protein forms S22G.
Identifiers: ClinVar variation 2932746 (VCV002932746.3), dbSNP rs1395814191, ClinGen allele CA379196396.
Genomic context (GRCh38, chr11:3,856,334, plus strand): 5'-GATGTATGCGTCCGTCTTGCCCTGTGGCTCCTCTGGGGACTCCTCCTGCACCAGGGCCAG[A>G]GCCTCAGCCATAGTCACAGTGAGAAGGCGACAGGAACCAGCTCGGGGGCCAACTCTGAGG-3'
Protein context (NP_001369496.1, residues 12-32): LWGLLLHQGQ[Ser22Gly]LSHSHSEKAT

ClinVar aggregate classification (germline): Uncertain significance (1 of 4 stars; one submission).

Conditions:
Combined immunodeficiency due to STIM1 deficiency. Also called: STIM1 DEFICIENCY; IMMUNODEFICIENCY 10. Identifiers: Orphanet 169090, Orphanet 317430, MedGen C2748557, MONDO:0013008, OMIM 612783.
Stormorken syndrome (STRMK). Also called: THROMBOCYTOPATHY, ASPLENIA, AND MIOSIS. Identifiers: Orphanet 3204, MedGen C1861451, MONDO:0008497, OMIM 185070.
Myopathy with tubular aggregates (TAM). Also called: Tubular Aggregate Myopathy. Identifiers: Orphanet 2593, MedGen C0410207, MONDO:0008051.

Allele frequency attached by ClinVar (database versions not stated): gnomAD exomes below 0.00001; TOPMed 0.00001; gnomAD 0.00002.
gnomAD v4.1: 9 of 1,614,086 alleles (0.00056%); highest among the groups gnomAD compares: African/African-American, 0.012%; no homozygotes.

Submission:

Labcorp Genetics (formerly Invitae), Labcorp
Classification: Uncertain significance for Myopathy with tubular aggregates; Combined immunodeficiency due to STIM1 deficiency; Stormorken syndrome. Last evaluated: 2023-10-17. Review status: criteria provided, single submitter. Criteria: Invitae Variant Classification Sherloc (09022015). Collection method: clinical testing. Allele origin: germline.
Comment: This sequence change replaces serine, which is neutral and polar, with glycine, which is neutral and non-polar, at codon 22 of the STIM1 protein (p.Ser22Gly). This variant is present in population databases (no rsID available, gnomAD 0.01%). This variant has not been reported in the literature in individuals affected with STIM1-related conditions. Advanced modeling of protein sequence and biophysical properties (such as structural, functional, and spatial information, amino acid conservation, physicochemical variation, residue mobility, and thermodynamic stability) has been performed at Invitae for this missense variant, however the output from this modeling did not meet the statistical confidence thresholds required to predict the impact of this variant on STIM1 protein function. In summary, the available evidence is currently insufficient to determine the role of this variant in disease. Therefore, it has been classified as a Variant of Uncertain Significance.